The following is an entry in ClinVar:

NM_000368.5(TSC1):c.157A>G (p.Ser53Gly)

Gene: TSC1 (TSC complex subunit 1; minus strand). Cytogenetic location: 9q34.13.
Variant type: single nucleotide variant.
Coding change: c.157A>G on transcript NM_000368.5 (MANE Select); coding-DNA position 157, A replaced by G.
Protein change: p.Ser53Gly; replaces serine 53 with glycine.
Molecular consequence: missense variant. On other transcripts: intron variant (9), 5 prime UTR variant (9), non-coding transcript variant (4).
Genome position (GRCh38, 1-based): chr9:132,927,254, T>C on the plus strand (A>G on the coding strand, the complement: TSC1 is on the minus strand). VCF-style: chr9-132927254-T-C. GRCh37 (hg19) VCF-style: chr9-135802641-T-C.
Other names: c.157A>G, p.Ser53Gly (NM_001162426.2, NM_001162427.2, NM_001406592.1 and 21 more transcripts); c.-153-1515A>G (NM_001406618.1, NM_001406620.1); c.-154+1513A>G (NM_001406625.1, NM_001406621.1, NM_001406617.1 and 3 more transcripts); c.-246+1513A>G (NM_001406614.1); c.-332A>G (NM_001406615.1, NM_001406623.1); c.-299A>G (NM_001406616.1, NM_001406624.1); c.-721A>G (NM_001406626.1, NM_001406627.1, NM_001406628.1); c.-863A>G (NM_001406629.1); and 1 more; short protein forms S53G.
Identifiers: ClinVar variation 2866540 (VCV002866540.4), dbSNP rs2539112262, ClinGen allele CA375375134.

ClinVar aggregate classification (germline): Uncertain significance. Review status: criteria provided, multiple submitters, no conflicts (2 of 4 stars). 2 submissions from 2 submitters: Uncertain significance (2). Last evaluated 2025-08-07.

Conditions:
Tuberous sclerosis 1 (TSC1). Identifiers: Orphanet 805, MedGen C1854465, MONDO:0008612, OMIM 191100.
Hereditary cancer-predisposing syndrome. Also called: Hereditary neoplastic syndrome; Hereditary Cancer Syndrome; Neoplastic Syndromes, Hereditary; Tumor predisposition. Identifiers: Orphanet 140162, MedGen C0027672, MeSH D009386, MONDO:0015356.

Submissions (2):

Labcorp Genetics (formerly Invitae), Labcorp
Classification: Uncertain significance for Tuberous sclerosis 1. Last evaluated: 2025-08-07. Review status: criteria provided, single submitter. Criteria: Invitae Variant Classification Sherloc (09022015). Collection method: clinical testing. Allele origin: germline.
Comment: This sequence change replaces serine, which is neutral and polar, with glycine, which is neutral and non-polar, at codon 53 of the TSC1 protein (p.Ser53Gly). This variant is not present in population databases (gnomAD no frequency). This variant has not been reported in the literature in individuals affected with TSC1-related conditions. ClinVar contains an entry for this variant (Variation ID: 2866540). Invitae Evidence Modeling of protein sequence and biophysical properties (such as structural, functional, and spatial information, amino acid conservation, physicochemical variation, residue mobility, and thermodynamic stability) indicates that this missense variant is not expected to disrupt TSC1 protein function with a negative predictive value of 95%. In summary, the available evidence is currently insufficient to determine the role of this variant in disease. Therefore, it has been classified as a Variant of Uncertain Significance.

Ambry Genetics
Classification: Uncertain significance for Hereditary cancer-predisposing syndrome. Last evaluated: 2023-12-07. Review status: criteria provided, single submitter. Criteria: Ambry Variant Classification Scheme 2023. Collection method: clinical testing. Allele origin: germline.
Comment: The p.S53G variant (also known as c.157A>G), located in coding exon 2 of the TSC1 gene, results from an A to G substitution at nucleotide position 157. The serine at codon 53 is replaced by glycine, an amino acid with similar properties. This amino acid position is conserved. In addition, this alteration is predicted to be tolerated by in silico analysis. Since supporting evidence is limited at this time, the clinical significance of this alteration remains unclear.